The following is an entry in ClinVar:

ClinVar aggregate classification (germline): Uncertain significance (1 of 4 stars; one submission).

Conditions:
Hereditary cancer-predisposing syndrome. Also called: Tumor predisposition; Neoplastic Syndromes, Hereditary; Hereditary Cancer Syndrome; Hereditary neoplastic syndrome. Identifiers: Orphanet 140162, MedGen C0027672, MeSH D009386, MONDO:0015356.

Submission:

Ambry Genetics
Classification: Uncertain significance for Hereditary cancer-predisposing syndrome. Last evaluated: 2025-01-15. Review status: criteria provided, single submitter. Criteria: Ambry Variant Classification Scheme 2023. Collection method: clinical testing. Allele origin: germline.
Comment: The p.K1363T variant (also known as c.4088A>C), located in coding exon 15 of the APC gene, results from an A to C substitution at nucleotide position 4088. The lysine at codon 1363 is replaced by threonine, an amino acid with similar properties. Missense alterations in APC are not a common cause of disease (Spier I et al. Genet Med. 2024 Feb;26(2):100992). This amino acid position is highly conserved in available vertebrate species. In addition, in silico predictors for this gene do not accurately predict pathogenicity. Based on the available evidence, the clinical significance of this variant remains unclear.

NM_000038.6(APC):c.4088A>C (p.Lys1363Thr)

Gene: APC (APC regulator of Wnt signaling pathway; plus strand). Cytogenetic location: 5q22.2.
Variant type: single nucleotide variant.
Coding change: c.4088A>C on transcript NM_000038.6 (MANE Select); coding-DNA position 4088, A replaced by C.
Protein change: p.Lys1363Thr; replaces lysine 1363 with threonine.
Molecular consequence: missense variant. On other transcripts: non-coding transcript variant (2).
Genome position (GRCh38, 1-based): chr5:112,839,682, A>C. VCF-style: chr5-112839682-A-C. GRCh37 (hg19) VCF-style: chr5-112175379-A-C.
Other names: c.4088A>C, p.Lys1363Thr (NM_001127510.3, NM_001354895.2, NM_001407450.1); c.4034A>C, p.Lys1345Thr (NM_001127511.3); c.4142A>C, p.Lys1381Thr (NM_001354896.2, NM_001407447.1, NM_001407448.1 and 1 more transcripts); c.4004A>C, p.Lys1335Thr (NM_001354899.2); c.3965A>C, p.Lys1322Thr (NM_001354900.2); c.4118A>C, p.Lys1373Thr (NM_001354897.2); c.4013A>C, p.Lys1338Thr (NM_001354898.2); c.3911A>C, p.Lys1304Thr (NM_001354901.2, NM_001407453.1); and 11 more; short protein forms K1080T, K1237T, K1262T, K1272T, K1345T, K1353T, K1373T, K1203T.
Identifiers: ClinVar variation 3881394 (VCV003881394.1).
Genomic context (GRCh38, chr5:112,839,682, plus strand): 5'-CTTCAGAATCAGCCAGGCACAAAGCTGTTGAATTTTCTTCAGGAGCGAAATCTCCCTCCA[A>C]AAGTGGTGCTCAGACACCCAAAAGTCCACCTGAACACTATGTTCAGGAGACCCCACTCAT-3'
Protein context (NP_000029.2, residues 1353-1373): EFSSGAKSPS[Lys1363Thr]SGAQTPKSPP